The following is an entry in ClinVar:

NM_024675.4(PALB2):c.3392del (p.Ile1131fs)

Gene: PALB2 (partner and localizer of BRCA2; minus strand). Cytogenetic location: 16p12.2.
Variant type: Deletion.
Coding change: c.3392del on transcript NM_024675.4 (MANE Select); coding-DNA position 3392, one base deleted (T; older notation c.3392delT).
Protein change: p.Ile1131fs; shifts the reading frame from isoleucine 1131.
Molecular consequence: frameshift variant.
Genome position (GRCh38, 1-based): chr16:23,603,628, A deleted on the plus strand (T on the coding strand, the reverse complement: PALB2 is on the minus strand). VCF-style (leftmost placement, unchanged base first): chr16-23603627-GA-G. GRCh37 (hg19) VCF-style: chr16-23614948-GA-G.
Other names: c.3392delT (NM_024675.3); short protein forms I1131fs.
Identifiers: ClinVar variation 923260 (VCV000923260.4), dbSNP rs1966404530, ClinGen allele CA913188699.

ClinVar aggregate classification (germline): Pathogenic/Likely pathogenic. Review status: criteria provided, multiple submitters, no conflicts (2 of 4 stars). 2 submissions from 2 submitters: Pathogenic (1); Likely pathogenic (1). Last evaluated 2024-02-05.

Conditions:
Hereditary cancer-predisposing syndrome. Also called: Neoplastic Syndromes, Hereditary; Tumor predisposition; Hereditary Cancer Syndrome; Hereditary neoplastic syndrome. Identifiers: Orphanet 140162, MedGen C0027672, MeSH D009386, MONDO:0015356.

Submissions (2):

Ambry Genetics
Classification: Likely pathogenic for Hereditary cancer-predisposing syndrome. Last evaluated: 2024-02-05. Review status: criteria provided, single submitter. Criteria: Ambry Variant Classification Scheme 2023. Collection method: clinical testing. Allele origin: germline.
Comment: The c.3392delT variant, located in coding exon 13 of the PALB2 gene, results from a deletion of one nucleotide at nucleotide position 3392, causing a translational frameshift with a predicted alternate stop codon (p.I1131Tfs*2). This alteration occurs at the 3' terminus of thePALB2 gene, is not expected to trigger nonsense-mediated mRNA decay, and only impacts the last 56 amino acids of the protein. However, premature stop codons are typically deleterious in nature and the impacted region is critical for protein function (Ambry internal data). Based on the majority of available evidence to date, this variant is likely to be pathogenic.

Color Diagnostics, LLC DBA Color Health
Classification: Pathogenic for Hereditary cancer-predisposing syndrome. Last evaluated: 2020-01-15. Review status: criteria provided, single submitter. Criteria: ACMG Guidelines, 2015. Collection method: clinical testing. Allele origin: germline.
Comment: This variant deletes 1 nucleotide in exon 13 of the PALB2 gene, creating a frameshift and premature translation stop signal. This variant is expected to result in an absent or non-functional protein product. This variant has not been identified in the general population by the Genome Aggregation Database (gnomAD). Loss of PALB2 function is a known mechanism of disease. Based on the available evidence, this variant is classified as Pathogenic.